The following is an entry in ClinVar:

NM_001110556.2(FLNA):c.5639T>C (p.Val1880Ala)

Gene: FLNA (filamin A; minus strand). Cytogenetic location: Xq28.
Variant type: single nucleotide variant.
Coding change: c.5639T>C on transcript NM_001110556.2 (MANE Select); coding-DNA position 5639, T replaced by C.
Protein change: p.Val1880Ala; replaces valine 1880 with alanine.
Molecular consequence: missense variant.
Genome position (GRCh38, 1-based): chrX:154,353,962, A>G on the plus strand (T>C on the coding strand, the complement: FLNA is on the minus strand). VCF-style: chrX-154353962-A-G. GRCh37 (hg19) VCF-style: chrX-153582330-A-G.
Other names: c.5615T>C, p.Val1872Ala (NM_001456.4); short protein forms V1872A, V1880A.
Identifiers: ClinVar variation 3752814 (VCV003752814.2).

ClinVar aggregate classification (germline): Uncertain significance (1 of 4 stars; one submission).

Conditions:
Melnick-Needles syndrome (MNS). Also called: MELNICK-NEEDLES OSTEODYSPLASTY; OSTEODYSPLASTY OF MELNICK AND NEEDLES; Melnick-Needles Syndrome (FLNA-MNS). Identifiers: Orphanet 2484, MedGen C0025237, MONDO:0010650, OMIM 309350.
Frontometaphyseal dysplasia (FMD1). Identifiers: Orphanet 1826, MedGen C0265293, MONDO:0015942.
Heterotopia, periventricular, X-linked dominant (PVNH1). Also called: PERIVENTRICULAR NODULAR HETEROTOPIA 1; X-linked periventricular heterotopia; PERIVENTRICULAR NODULAR HETEROTOPIA 4; HETEROTOPIA, PERIVENTRICULAR, 1. Identifiers: Orphanet 2149, Orphanet 82004, MedGen C1848213, MONDO:0010233, OMIM 300049.
Oto-palato-digital syndrome, type II (OPD2). Also called: FACIOPALATOOSSEOUS SYNDROME; OPD II SYNDROME; Otopalatodigital Syndrome, Type II; Otopalatodigital Syndrome Type 2 (FLNA-OPD2). Identifiers: Orphanet 669, Orphanet 90652, MedGen C1844696, MONDO:0010571, OMIM 304120.

Submission:

Labcorp Genetics (formerly Invitae), Labcorp
Classification: Uncertain significance for Oto-palato-digital syndrome, type II; Heterotopia, periventricular, X-linked dominant; Frontometaphyseal dysplasia; Melnick-Needles syndrome. Last evaluated: 2024-07-19. Review status: criteria provided, single submitter. Criteria: Invitae Variant Classification Sherloc (09022015). Collection method: clinical testing. Allele origin: germline.
Comment: This sequence change replaces valine, which is neutral and non-polar, with alanine, which is neutral and non-polar, at codon 1872 of the FLNA protein (p.Val1872Ala). This variant is not present in population databases (gnomAD no frequency). This variant has not been reported in the literature in individuals affected with FLNA-related conditions. Advanced modeling of protein sequence and biophysical properties (such as structural, functional, and spatial information, amino acid conservation, physicochemical variation, residue mobility, and thermodynamic stability) performed at Invitae indicates that this missense variant is not expected to disrupt FLNA protein function with a negative predictive value of 95%. In summary, the available evidence is currently insufficient to determine the role of this variant in disease. Therefore, it has been classified as a Variant of Uncertain Significance.